The following is an entry in ClinVar:

ClinVar aggregate classification (germline): Uncertain significance. Review status: criteria provided, multiple submitters, no conflicts (2 of 4 stars). 2 submissions from 2 submitters: Uncertain significance (2). Last evaluated 2026-08-10.

Conditions:
Hereditary cancer-predisposing syndrome. Also called: Hereditary Cancer Syndrome; Hereditary neoplastic syndrome; Neoplastic Syndromes, Hereditary; Tumor predisposition. Identifiers: Orphanet 140162, MedGen C0027672, MeSH D009386, MONDO:0015356.
Cardiovascular phenotype. Identifiers: MedGen CN230736.

Allele frequency attached by ClinVar (database versions not stated): gnomAD exomes below 0.00001.
gnomAD v4.1: 1 of 1,612,610 alleles (0.000062%); highest among the groups gnomAD compares: Non-Finnish European, 0.000085%; no homozygotes.

Submissions (2):

Ambry Genetics
Classification: Uncertain significance for Cardiovascular phenotype; Hereditary cancer-predisposing syndrome. Last evaluated: 2026-08-10. Review status: criteria provided, single submitter. Criteria: Ambry Variant Classification Scheme 2023. Collection method: clinical testing. Allele origin: germline.
Comment: The p.I625V variant (also known as c.1873A>G), located in coding exon 16 of the LZTR1 gene, results from an A to G substitution at nucleotide position 1873. The isoleucine at codon 625 is replaced by valine, an amino acid with highly similar properties. This amino acid position is conserved. In addition, this alteration is predicted to be tolerated by in silico analysis. Based on the available evidence, the clinical significance of this variant remains unclear.

Labcorp Genetics (formerly Invitae), Labcorp
Classification: Uncertain significance. Last evaluated: 2025-09-08. Review status: criteria provided, single submitter. Criteria: Invitae Variant Classification Sherloc (09022015). Collection method: clinical testing. Allele origin: germline.
Comment: This sequence change replaces isoleucine, which is neutral and non-polar, with valine, which is neutral and non-polar, at codon 625 of the LZTR1 protein (p.Ile625Val). This variant is not present in population databases (gnomAD no frequency). This variant has not been reported in the literature in individuals affected with LZTR1-related conditions. ClinVar contains an entry for this variant (Variation ID: 2838776). Invitae Evidence Modeling of protein sequence and biophysical properties (such as structural, functional, and spatial information, amino acid conservation, physicochemical variation, residue mobility, and thermodynamic stability) indicates that this missense variant is not expected to disrupt LZTR1 protein function with a negative predictive value of 80%. In summary, the available evidence is currently insufficient to determine the role of this variant in disease. Therefore, it has been classified as a Variant of Uncertain Significance.

NM_006767.4(LZTR1):c.1873A>G (p.Ile625Val)

Gene: LZTR1 (leucine zipper like post translational regulator 1; plus strand). Cytogenetic location: 22q11.21.
Variant type: single nucleotide variant.
Coding change: c.1873A>G on transcript NM_006767.4 (MANE Select); coding-DNA position 1873, A replaced by G.
Protein change: p.Ile625Val; replaces isoleucine 625 with valine.
Molecular consequence: missense variant.
Genome position (GRCh38, 1-based): chr22:20,994,957, A>G. VCF-style: chr22-20994957-A-G. GRCh37 (hg19) VCF-style: chr22-21349246-A-G.
Other names: c.1873A>G (NM_006767.3); short protein forms I625V.
Identifiers: ClinVar variation 2838776 (VCV002838776.4), dbSNP rs2518622513, ClinGen allele CA410778639.